The following is an entry in ClinVar:

ClinVar aggregate classification (germline): Likely pathogenic (1 of 4 stars; one submission).

Conditions:
Early-infantile DEE. Also called: Early infantile epileptic encephalopathy; Early infantile epileptic encephalopathy with suppression bursts; Ohtahara syndrome. Identifiers: Orphanet 1934, MedGen C0393706, MONDO:0800491.

Submission:

Labcorp Genetics (formerly Invitae), Labcorp
Classification: Likely pathogenic for Early-infantile DEE. Last evaluated: 2022-12-05. Review status: criteria provided, single submitter. Criteria: Invitae Variant Classification Sherloc (09022015). Collection method: clinical testing. Allele origin: germline.
Comment: In summary, the currently available evidence indicates that the variant is pathogenic, but additional data are needed to prove that conclusively. Therefore, this variant has been classified as Likely Pathogenic. This variant disrupts the p.Arg333 amino acid residue in KCNQ2. Other variant(s) that disrupt this residue have been determined to be pathogenic (PMID: 16039833, 23621294, 23692823). This suggests that this residue is clinically significant, and that variants that disrupt this residue are likely to be disease-causing. Advanced modeling of protein sequence and biophysical properties (such as structural, functional, and spatial information, amino acid conservation, physicochemical variation, residue mobility, and thermodynamic stability) performed at Invitae indicates that this missense variant is expected to disrupt KCNQ2 protein function. This variant has not been reported in the literature in individuals affected with KCNQ2-related conditions. This variant is not present in population databases (gnomAD no frequency). This sequence change replaces arginine, which is basic and polar, with leucine, which is neutral and non-polar, at codon 333 of the KCNQ2 protein (p.Arg333Leu).

Literature cited by the submitters: PubMed 16039833; PubMed 23621294; PubMed 23692823.

NM_172107.4(KCNQ2):c.998G>T (p.Arg333Leu)

Gene: KCNQ2 (potassium voltage-gated channel subfamily Q member 2; minus strand). Cytogenetic location: 20q13.33.
Variant type: single nucleotide variant.
Coding change: c.998G>T on transcript NM_172107.4 (MANE Select); coding-DNA position 998, G replaced by T.
Protein change: p.Arg333Leu; replaces arginine 333 with leucine.
Molecular consequence: missense variant.
Genome position (GRCh38, 1-based): chr20:63,438,650, C>A on the plus strand (G>T on the coding strand, the complement: KCNQ2 is on the minus strand). VCF-style: chr20-63438650-C-A. GRCh37 (hg19) VCF-style: chr20-62070003-C-A.
Other names: c.998G>T, p.Arg333Leu (NM_001382235.1, NM_004518.6, NM_172106.3 and 2 more transcripts); short protein forms R333L.
Identifiers: ClinVar variation 2817426 (VCV002817426.3), dbSNP rs118192216, ClinGen allele CA409652100.
Genomic context (GRCh38, chr20:63,438,650, plus strand): 5'-GGCTGTGCTGGTCCCCGGGGGACACCTGGACTCACCTGGATCAGGCCTGCTGCCGGGTTC[C>A]GCCTCTTCTCAAAGTGCTTCTGCCTGTGCTGCTCCTGAACCTTCAGGGCAAACCCAGACC-3'
Protein context (NP_742105.1, residues 323-343): QHRQKHFEKR[Arg333Leu]NPAAGLIQSA